The following is an entry in ClinVar:

ClinVar aggregate classification (germline): Benign/Likely benign. Review status: criteria provided, multiple submitters, no conflicts (2 of 4 stars). 9 submissions from 9 submitters: Benign (1); Likely benign (8). Last evaluated 2026-03-01.

Conditions:
TRPV4-related disorder. Also called: TRPV4-related disorders; TRPV4-related condition.
Inborn genetic diseases. Identifiers: MedGen C0950123, MeSH D030342.
Charcot-Marie-Tooth disease. Also called: Charcot-Marie-Tooth Neuropathy; Charcot-Marie-Tooth Hereditary Neuropathy. Identifiers: Orphanet 166, MedGen C0007959, MONDO:0015626.
Charcot-Marie-Tooth disease axonal type 2C (HMSN2C). Also called: CHARCOT-MARIE-TOOTH DISEASE, AXONAL, AUTOSOMAL DOMINANT, TYPE 2C; Charcot-Marie-Tooth Neuropathy Type 2C; Charcot-Marie-Tooth Disease Type 2, TRPV4-Related (CMT2C). Identifiers: Orphanet 99937, MedGen C1853710, MONDO:0011633, OMIM 606071.

Allele frequency attached by ClinVar (database versions not stated): gnomAD exomes 0.00012; 1000 Genomes Project 30x 0.00016; ExAC 0.00018; gnomAD 0.00019 and 0.00015; TOPMed 0.00020; 1000 Genomes Project 0.00020; ESP Exome Variant Server 0.00031.
gnomAD v4.1: 301 of 1,614,200 alleles (0.019%); highest among the groups gnomAD compares: Non-Finnish European, 0.023%; no homozygotes.

Submissions (9):

CeGaT Center for Human Genetics Tuebingen
Classification: Likely benign. Last evaluated: 2026-03-01. Review status: criteria provided, single submitter. Criteria: CeGaT Center For Human Genetics Tuebingen Variant Classification Criteria Version 2. Collection method: clinical testing. Allele origin: germline. Affected: yes. Observed: 4 variant alleles.
Comment: TRPV4: BP4, BP7

Labcorp Genetics (formerly Invitae), Labcorp
Classification: Likely benign for Charcot-Marie-Tooth disease axonal type 2C. Last evaluated: 2025-12-17. Review status: criteria provided, single submitter. Criteria: Invitae Variant Classification Sherloc (09022015). Collection method: clinical testing. Allele origin: germline.

PreventionGenetics, part of Exact Sciences
Classification: Likely benign for TRPV4-related condition. Last evaluated: 2025-05-08. Review status: criteria provided, single submitter. Criteria: ACMG Guidelines, 2015. Collection method: clinical testing. Allele origin: germline.
Comment: This variant is classified as likely benign based on ACMG/AMP sequence variant interpretation guidelines (Richards et al. 2015 PMID: 25741868, with internal and published modifications).

Mayo Clinic Laboratories, Mayo Clinic
Classification: Likely benign. Last evaluated: 2024-12-30. Review status: criteria provided, single submitter. Criteria: ACMG Guidelines, 2015. Collection method: clinical testing. Allele origin: germline. Observed: 3 variant alleles.
Comment: BS2, BP4, BP7

Blueprint Genetics
Classification: Likely benign. Last evaluated: 2024-09-24. Review status: criteria provided, single submitter. Criteria: ACMG Guidelines, 2015. Collection method: clinical testing. Allele origin: germline.

GeneDx
Classification: Likely benign. Last evaluated: 2020-03-16. Review status: criteria provided, single submitter. Criteria: GeneDx Variant Classification Process June 2021. Collection method: clinical testing. Allele origin: germline. Affected: yes.

Ambry Genetics
Classification: Likely benign for Inborn genetic diseases. Last evaluated: 2019-07-11. Review status: criteria provided, single submitter. Criteria: Ambry Variant Classification Scheme 2023. Collection method: clinical testing. Allele origin: germline.

Athena Diagnostics
Classification: Benign. Last evaluated: 2019-01-30. Review status: criteria provided, single submitter. Criteria: Athena Diagnostics Criteria. Collection method: clinical testing. Allele origin: germline.

Molecular Genetics Laboratory, London Health Sciences Centre
Classification: Likely benign for Charcot-Marie-Tooth disease. Review status: criteria provided, single submitter. Criteria: ACMG Guidelines, 2015. Collection method: clinical testing. Allele origin: germline. Affected: yes.

NM_021625.5(TRPV4):c.1278G>A (p.Thr426=)

Gene: TRPV4 (transient receptor potential cation channel subfamily V member 4; minus strand). Cytogenetic location: 12q24.11.
Variant type: single nucleotide variant.
Coding change: c.1278G>A on transcript NM_021625.5 (MANE Select); coding-DNA position 1278, G replaced by A.
Protein change: p.Thr426=; no amino-acid change (threonine 426 retained).
Molecular consequence: synonymous variant. On other transcripts: intron variant (2).
Genome position (GRCh38, 1-based): chr12:109,796,579, C>T on the plus strand (G>A on the coding strand, the complement: TRPV4 is on the minus strand). VCF-style: chr12-109796579-C-T. GRCh37 (hg19) VCF-style: chr12-110234384-C-T.
Other names: p.Thr426=; c.1137G>A, p.Thr379= (NM_001177428.2); c.1176G>A, p.Thr392= (NM_001177431.2); c.1011+2035G>A (NM_001177433.1); c.1152+2035G>A (NM_147204.2).
Identifiers: ClinVar variation 493123 (VCV000493123.59), dbSNP rs139179261, ClinGen allele CA6780298.